The following is an entry in ClinVar:

NM_004230.4(S1PR2):c.826G>A (p.Val276Ile)

Gene: S1PR2 (sphingosine-1-phosphate receptor 2; minus strand). Cytogenetic location: 19p13.2.
Variant type: single nucleotide variant.
Coding change: c.826G>A on transcript NM_004230.4 (MANE Select); coding-DNA position 826, G replaced by A.
Protein change: p.Val276Ile; replaces valine 276 with isoleucine.
Molecular consequence: missense variant.
Genome position (GRCh38, 1-based): chr19:10,224,080, C>T on the plus strand (G>A on the coding strand, the complement: S1PR2 is on the minus strand). VCF-style: chr19-10224080-C-T. GRCh37 (hg19) VCF-style: chr19-10334756-C-T.
Other names: short protein forms V276I.
Identifiers: ClinVar variation 1215335 (VCV001215335.8), dbSNP rs146537931, ClinGen allele CA9189009.
Genomic context (GRCh38, chr19:10,224,080, plus strand): 5'-GCAGGTCCCGGCTGCGCCACGTGTAGATGACGGGGTTGAGCAGGGAATTCAGGGTGGAGA[C>T]GGCGAAAAAGTAGTGGGCTTTGTAGAGGATCGGGCAGGAGTGGACGGGACAGGCATAGTC-3'
Protein context (NP_004221.3, residues 266-286): ILYKAHYFFA[Val276Ile]STLNSLLNPV

ClinVar aggregate classification (germline): Conflicting classifications of pathogenicity. Review status: criteria provided, conflicting classifications (1 of 4 stars). 3 submissions from 3 submitters: Uncertain significance (2); Likely benign (1). Last evaluated 2025-09-09.

Allele frequency attached by ClinVar (database versions not stated): gnomAD exomes 0.00013; ExAC 0.00019; ESP Exome Variant Server 0.00054; 1000 Genomes Project 0.00060; 1000 Genomes Project 30x 0.00062.
gnomAD v4.1: 165 of 1,607,046 alleles (0.01%); highest among the groups gnomAD compares: African/African-American, 0.15%; 1 homozygote.

Submissions (3):

Women's Health and Genetics/Laboratory Corporation of America, LabCorp
Classification: Uncertain significance. Last evaluated: 2025-09-09. Review status: criteria provided, single submitter. Criteria: LabCorp Variant Classification Summary - May 2015. Collection method: clinical testing. Allele origin: germline.
Comment: Variant summary: S1PR2 c.826G>A (p.Val276Ile) results in a conservative amino acid change in the encoded protein sequence. Algorithms developed to predict the effect of missense changes on protein structure and function all suggest that this variant is likely to be tolerated. The variant allele was found at a frequency of 0.00013 in 244172 control chromosomes. This frequency is not significantly higher than estimated for disease-causing variants in S1PR2, allowing no conclusion about variant significance. To our knowledge, no occurrence of c.826G>A in individuals affected with S1PR2-related conditions and no experimental evidence demonstrating its impact on protein function have been reported. ClinVar contains an entry for this variant (Variation ID: 1215335). Based on the evidence outlined above, the variant was classified as uncertain significance.

Labcorp Genetics (formerly Invitae), Labcorp
Classification: Uncertain significance. Last evaluated: 2022-09-07. Review status: criteria provided, single submitter. Criteria: Invitae Variant Classification Sherloc (09022015). Collection method: clinical testing. Allele origin: germline.
Comment: In summary, the available evidence is currently insufficient to determine the role of this variant in disease. Therefore, it has been classified as a Variant of Uncertain Significance. Algorithms developed to predict the effect of missense changes on protein structure and function (SIFT, PolyPhen-2, Align-GVGD) all suggest that this variant is likely to be tolerated. ClinVar contains an entry for this variant (Variation ID: 1215335). This variant has not been reported in the literature in individuals affected with S1PR2-related conditions. This variant is present in population databases (rs146537931, gnomAD 0.1%). This sequence change replaces valine, which is neutral and non-polar, with isoleucine, which is neutral and non-polar, at codon 276 of the S1PR2 protein (p.Val276Ile).

GeneDx
Classification: Likely benign. Last evaluated: 2020-11-17. Review status: criteria provided, single submitter. Criteria: GeneDx Variant Classification Process June 2021. Collection method: clinical testing. Allele origin: germline. Affected: yes.